The following is an entry in ClinVar:

NM_030973.4(MED25):c.1679G>C (p.Gly560Ala)

Gene: MED25 (mediator complex subunit 25; plus strand). Cytogenetic location: 19q13.33.
Variant type: single nucleotide variant.
Coding change: c.1679G>C on transcript NM_030973.4 (MANE Select); coding-DNA position 1679, G replaced by C.
Protein change: p.Gly560Ala; replaces glycine 560 with alanine.
Molecular consequence: missense variant.
Genome position (GRCh38, 1-based): chr19:49,835,538, G>C. VCF-style: chr19-49835538-G-C. GRCh37 (hg19) VCF-style: chr19-50338795-G-C.
Other names: c.1679G>C, p.Gly560Ala (NM_001378355.1); short protein forms G560A.
Identifiers: ClinVar variation 1919491 (VCV001919491.5), dbSNP rs926634565, ClinGen allele CA406919392.

ClinVar aggregate classification (germline): Uncertain significance (1 of 4 stars; one submission).

Conditions:
Charcot-Marie-Tooth disease type 2. Also called: Charcot-Marie-Tooth type 2. Identifiers: Orphanet 64746, MedGen C0270914, MONDO:0018993.

gnomAD v4.1: 3 of 1,558,898 alleles (0.00019%); highest among the groups gnomAD compares: Non-Finnish European, 0.00026%; no homozygotes.

Submission:

Labcorp Genetics (formerly Invitae), Labcorp
Classification: Uncertain significance for Charcot-Marie-Tooth disease type 2. Last evaluated: 2022-05-11. Review status: criteria provided, single submitter. Criteria: Invitae Variant Classification Sherloc (09022015). Collection method: clinical testing. Allele origin: germline.
Comment: In summary, the available evidence is currently insufficient to determine the role of this variant in disease. Therefore, it has been classified as a Variant of Uncertain Significance. Algorithms developed to predict the effect of missense changes on protein structure and function are either unavailable or do not agree on the potential impact of this missense change (SIFT: "Deleterious"; PolyPhen-2: "Probably Damaging"; Align-GVGD: "Class C0"). This variant has not been reported in the literature in individuals affected with MED25-related conditions. This variant is not present in population databases (gnomAD no frequency). This sequence change replaces glycine, which is neutral and non-polar, with alanine, which is neutral and non-polar, at codon 560 of the MED25 protein (p.Gly560Ala).